The following is an entry in ClinVar:

NM_022370.4(ROBO3):c.*36C>T

Gene: ROBO3 (roundabout guidance receptor 3; plus strand). Cytogenetic location: 11q24.2.
Variant type: single nucleotide variant.
Coding change: c.*36C>T on transcript NM_022370.4 (MANE Select); 36 bases downstream of the stop codon, C replaced by T.
Molecular consequence: 3 prime UTR variant. On other transcripts: non-coding transcript variant (7).
Genome position (GRCh38, 1-based): chr11:124,881,286, C>T. VCF-style: chr11-124881286-C-T. GRCh37 (hg19) VCF-style: chr11-124751182-C-T.
Other names: c.*36C>T (NM_001370356.1, NM_001370357.1, NM_001370358.1 and 4 more transcripts).
Identifiers: ClinVar variation 879028 (VCV000879028.4), dbSNP rs369655559, ClinGen allele CA6344410.

ClinVar aggregate classification (germline): Likely benign (1 of 4 stars; one submission).

Conditions:
Gaze palsy, familial horizontal, with progressive scoliosis 1 (HGPPS1). Identifiers: Orphanet 2744, MedGen C4551964, MONDO:0020790, OMIM 607313.

Allele frequency attached by ClinVar (database versions not stated): 1000 Genomes Project 30x 0.00016; 1000 Genomes Project 0.00020; TOPMed 0.00127; gnomAD exomes 0.00191; gnomAD 0.00233 and 0.00241; ExAC 0.00245; ESP Exome Variant Server 0.00247.

Submission:

Illumina Laboratory Services, Illumina
Classification: Likely benign for Gaze palsy, familial horizontal, with progressive scoliosis 1. Last evaluated: 2018-01-12. Review status: criteria provided, single submitter. Criteria: ICSL Variant Classification Criteria 13 December 2019. Collection method: clinical testing. Allele origin: germline.
Comment: This variant was observed in the ICSL laboratory as part of a predisposition screen in an ostensibly healthy population. It had not been previously curated by ICSL or reported in the Human Gene Mutation Database (HGMD: prior to June 1st, 2018), and was therefore a candidate for classification through an automated scoring system. Utilizing variant allele frequency, disease prevalence and penetrance estimates, and inheritance mode, an automated score was calculated to assess if this variant is too frequent to cause the disease. Based on the score and internal cut-off values, a variant classified as likely benign is not then subjected to further curation. The score for this variant resulted in a classification of likely benign for this disease.